The following is an entry in ClinVar:

NM_002691.4(POLD1):c.2735C>T (p.Pro912Leu)

Gene: POLD1 (DNA polymerase delta 1, catalytic subunit; plus strand). Cytogenetic location: 19q13.33.
Variant type: single nucleotide variant.
Coding change: c.2735C>T on transcript NM_002691.4 (MANE Select); coding-DNA position 2735, C replaced by T.
Protein change: p.Pro912Leu; replaces proline 912 with leucine.
Molecular consequence: missense variant.
Genome position (GRCh38, 1-based): chr19:50,415,741, C>T. VCF-style: chr19-50415741-C-T. GRCh37 (hg19) VCF-style: chr19-50918998-C-T.
Other names: c.2735C>T, p.Pro912Leu (NM_001256849.1); c.2813C>T, p.Pro938Leu (NM_001308632.1); short protein forms P912L, P938L.
Identifiers: ClinVar variation 1010189 (VCV001010189.8), dbSNP rs999020776, ClinGen allele CA309605131.

ClinVar aggregate classification (germline): Uncertain significance (1 of 4 stars; one submission).

Conditions:
POLD1-related polyposis and colorectal cancer syndrome (CRCS10). Also called: Colorectal cancer 10; COLORECTAL CANCER, SUSCEPTIBILITY TO, ON CHROMOSOME 19q; Colorectal cancer, susceptibility to, 10. Identifiers: Orphanet 220460, MedGen C2675481, MONDO:0012953, OMIM 612591.

Submission:

Labcorp Genetics (formerly Invitae), Labcorp
Classification: Uncertain significance for POLD1-related polyposis and colorectal cancer syndrome. Last evaluated: 2025-04-11. Review status: criteria provided, single submitter. Criteria: Invitae Variant Classification Sherloc (09022015). Collection method: clinical testing. Allele origin: germline.
Comment: This sequence change replaces proline, which is neutral and non-polar, with leucine, which is neutral and non-polar, at codon 912 of the POLD1 protein (p.Pro912Leu). This variant is not present in population databases (gnomAD no frequency). This variant has not been reported in the literature in individuals affected with POLD1-related conditions. ClinVar contains an entry for this variant (Variation ID: 1010189). Invitae Evidence Modeling of protein sequence and biophysical properties (such as structural, functional, and spatial information, amino acid conservation, physicochemical variation, residue mobility, and thermodynamic stability) indicates that this missense variant is not expected to disrupt POLD1 protein function with a negative predictive value of 80%. In summary, the available evidence is currently insufficient to determine the role of this variant in disease. Therefore, it has been classified as a Variant of Uncertain Significance.